The following is an entry in ClinVar:

ClinVar aggregate classification (germline): Uncertain significance (1 of 4 stars; one submission).

Conditions:
Cardiovascular phenotype. Identifiers: MedGen CN230736.

gnomAD v4.1: 1 of 1,613,214 alleles (0.000062%); highest among the groups gnomAD compares: Non-Finnish European, 0.000085%; no homozygotes.

Submission:

Ambry Genetics
Classification: Uncertain significance for Cardiovascular phenotype. Last evaluated: 2026-04-20. Review status: criteria provided, single submitter. Criteria: Ambry Variant Classification Scheme 2023. Collection method: clinical testing. Allele origin: germline.
Comment: The p.S1975N variant (also known as c.5924G>A), located in coding exon 36 of the FLNC gene, results from a G to A substitution at nucleotide position 5924. The serine at codon 1975 is replaced by asparagine, an amino acid with highly similar properties. This amino acid position is conserved. In addition, this alteration is predicted to be tolerated by in silico analysis. Based on the available evidence, the clinical significance of this variant remains unclear.

NM_001458.5(FLNC):c.5924G>A (p.Ser1975Asn)

Genes: FLNC (filamin C; plus strand), FLNC-AS1 (FLNC antisense RNA 1; minus strand). Cytogenetic location: 7q32.1.
Variant type: single nucleotide variant.
Coding change: c.5924G>A on transcript NM_001458.5 (MANE Select); coding-DNA position 5924, G replaced by A.
Protein change: p.Ser1975Asn; replaces serine 1975 with asparagine.
Molecular consequence: missense variant.
Genome position (GRCh38, 1-based): chr7:128,852,672, G>A. VCF-style: chr7-128852672-G-A. GRCh37 (hg19) VCF-style: chr7-128492726-G-A.
Other names: c.5825G>A, p.Ser1942Asn (NM_001127487.2); short protein forms S1942N, S1975N.
Identifiers: ClinVar variation 4871463 (VCV004871463.1).
Genomic context (GRCh38, chr7:128,852,672, plus strand): 5'-CACAGCTGAATGTGGGCACCTCCACGGACGTGTCACTGAAGATCACCGAGAGTGATCTGA[G>A]CCAGCTGACCGCCAGCATCCGTGCCCCCTCGGGCAACGAGGAGCCCTGCCTGCTGAAGCG-3'
Protein context (NP_001449.3, residues 1965-1985): VSLKITESDL[Ser1975Asn]QLTASIRAPS